The following is an entry in ClinVar:

NM_020461.4(TUBGCP6):c.4758C>A (p.Tyr1586Ter)

Gene: TUBGCP6 (tubulin gamma complex component 6; minus strand). Cytogenetic location: 22q13.33.
Variant type: single nucleotide variant.
Coding change: c.4758C>A on transcript NM_020461.4 (MANE Select); coding-DNA position 4758, C replaced by A.
Protein change: p.Tyr1586Ter; replaces tyrosine 1586 with a stop codon.
Molecular consequence: nonsense.
Genome position (GRCh38, 1-based): chr22:50,218,766, G>T on the plus strand (C>A on the coding strand, the complement: TUBGCP6 is on the minus strand). VCF-style: chr22-50218766-G-T. GRCh37 (hg19) VCF-style: chr22-50657195-G-T.
Other names: short protein forms Y1586*.
Identifiers: ClinVar variation 4693388 (VCV004693388.2).
Genomic context (GRCh38, chr22:50,218,766, plus strand): 5'-GTACCTGAGCTCCAGGCAGCTCAGCACATCCGGGGCGTTGGGGGCAAACACCTCGGGCAG[G>T]TACTTGAGAGCGAGGGAGAGGTTGGAGGCGTGCGGGGTGTCCCCATGCAGGCTGCACTGC-3'

ClinVar aggregate classification (germline): Pathogenic/Likely pathogenic. Review status: criteria provided, multiple submitters, no conflicts (2 of 4 stars). 2 submissions from 2 submitters: Pathogenic (1); Likely pathogenic (1). Last evaluated 2025-02-10.

Conditions:
TUBGCP6-related disorder. Also called: TUBGCP6-related condition.

Submissions (2):

Labcorp Genetics (formerly Invitae), Labcorp
Classification: Pathogenic. Last evaluated: 2025-02-10. Review status: criteria provided, single submitter. Criteria: Invitae Variant Classification Sherloc (09022015). Collection method: clinical testing. Allele origin: germline.
Comment: This sequence change creates a premature translational stop signal (p.Tyr1586*) in the TUBGCP6 gene. It is expected to result in an absent or disrupted protein product. Loss-of-function variants in TUBGCP6 are known to be pathogenic (PMID: 25344692). The frequency data for this variant in the population databases is considered unreliable, as metrics indicate poor data quality at this position in the gnomAD database. This variant has not been reported in the literature in individuals affected with TUBGCP6-related conditions. For these reasons, this variant has been classified as Pathogenic.

Blueprint Genetics
Classification: Likely pathogenic for TUBGCP6-related disorders. Last evaluated: 2022-11-30. Review status: criteria provided, single submitter. Criteria: ACMG Guidelines, 2015. Collection method: clinical testing. Allele origin: germline. Affected: yes. Observed: 1 variant allele.

Literature cited by the submitters: PubMed 25344692 (cited by Labcorp Genetics (formerly Invitae), Labcorp).